The following is an entry in ClinVar:

NM_001201427.2(DAAM2):c.1668A>C (p.Pro556=)

Gene: DAAM2 (dishevelled associated activator of morphogenesis 2; plus strand). Cytogenetic location: 6p21.2.
Variant type: single nucleotide variant.
Coding change: c.1668A>C on transcript NM_001201427.2 (MANE Select); coding-DNA position 1668, A replaced by C.
Protein change: p.Pro556=; no amino-acid change (proline 556 retained).
Molecular consequence: synonymous variant.
Genome position (GRCh38, 1-based): chr6:39,879,300, A>C. VCF-style: chr6-39879300-A-C. GRCh37 (hg19) VCF-style: chr6-39847076-A-C.
Other names: c.1668A>C, p.Pro556= (NM_015345.4).
Identifiers: ClinVar variation 3040680 (VCV003040680.2), dbSNP rs775891415, ClinGen allele CA3795016.
Genomic context (GRCh38, chr6:39,879,300, plus strand): 5'-AACCAATGACCTGCCTCCACCCCCTCCTCCTCTGCCCTTTGCCTGTTGTCCCCCTCCCCC[A>C]CCACCACCCCTTCCTCCCGGGGGACCCCCGACTCCCCCAGGTGCCCCACCTTGCCTCGGC-3'
Protein context (NP_001188356.1, residues 546-566): PLPFACCPPP[Pro556=]PPPLPPGGPP

ClinVar aggregate classification (germline): Likely benign (0 of 4 stars; one submission).

Conditions:
DAAM2-related disorder. Also called: DAAM2-related condition.

Allele frequency attached by ClinVar (database versions not stated): ExAC 0.00003.

Submission:

PreventionGenetics, part of Exact Sciences
Classification: Likely benign for DAAM2-related condition. Last evaluated: 2019-09-18. Review status: no assertion criteria provided. Collection method: clinical testing. Allele origin: germline.
Comment: This variant is classified as likely benign based on ACMG/AMP sequence variant interpretation guidelines (Richards et al. 2015 PMID: 25741868, with internal and published modifications).